The following is an entry in ClinVar:

NM_020812.4(DOCK6):c.869dup (p.Lys291fs)

Gene: DOCK6 (dedicator of cytokinesis 6; minus strand). Cytogenetic location: 19p13.2.
Variant type: Duplication.
Coding change: c.869dup on transcript NM_020812.4 (MANE Select); coding-DNA position 869, one base duplicated (A; older notation c.869dupA).
Protein change: p.Lys291fs; shifts the reading frame from lysine 291.
Molecular consequence: frameshift variant.
Genome position (GRCh38, 1-based): chr19:11,245,816, T duplicated on the plus strand (A on the coding strand, the reverse complement: DOCK6 is on the minus strand); the first of 5 consecutive T bases (chr19:11,245,816-11,245,820); duplicating any one gives the same sequence. VCF-style (leftmost placement, unchanged base first): chr19-11245815-C-CT. GRCh37 (hg19) VCF-style: chr19-11356491-C-CT.
Other names: c.869dup, p.Lys291fs (NM_001367830.1); short protein forms K291fs.
Identifiers: ClinVar variation 3717914 (VCV003717914.2).
Genomic context (GRCh38, chr19:11,245,815, plus strand): 5'-CCACAGCCCCCCAACAAGGAGAAGGAAGGGGAGGAAAGAGAAAAAAGGGCCTCCTACCTT[C>CT]TTTTTCTCCCGCACATCATACAGAGCCAAGATCCCAAAGATGGGCTCAATTTCAATCTCG-3'

ClinVar aggregate classification (germline): Pathogenic (1 of 4 stars; one submission).

Submission:

Labcorp Genetics (formerly Invitae), Labcorp
Classification: Pathogenic. Last evaluated: 2024-05-04. Review status: criteria provided, single submitter. Criteria: Invitae Variant Classification Sherloc (09022015). Collection method: clinical testing. Allele origin: germline.
Comment: This sequence change creates a premature translational stop signal (p.Lys291Glufs*45) in the DOCK6 gene. It is expected to result in an absent or disrupted protein product. Loss-of-function variants in DOCK6 are known to be pathogenic (PMID: 21820096, 25824905). This variant is present in population databases (rs772583269, gnomAD 0.004%). This variant has not been reported in the literature in individuals affected with DOCK6-related conditions. For these reasons, this variant has been classified as Pathogenic.

Literature cited by the submitters: PubMed 21820096; PubMed 25824905.